The following is an entry in ClinVar:

ClinVar aggregate classification (germline): Conflicting classifications of pathogenicity. Review status: criteria provided, conflicting classifications (1 of 4 stars). 6 submissions from 5 submitters: Uncertain significance (1); Benign (4). 1 of the submissions does not count toward it. Last evaluated 2021-05-28.

Conditions:
Birt-Hogg-Dube syndrome 1 (BHD1). Also called: FIBROFOLLICULOMAS WITH TRICHODISCOMAS AND ACROCHORDONS. Identifiers: Orphanet 122, MedGen CN375946, MONDO:0800445, OMIM 135150.
Familial spontaneous pneumothorax (PSP). Identifiers: Orphanet 2903, MedGen C1868193, MONDO:0008259, OMIM 173600.
Colorectal cancer. Also called: Colorectal cancer, somatic; Malignant Colorectal Neoplasm. Identifiers: MedGen C0346629, MONDO:0005575, OMIM 114500.
Nonpapillary renal cell carcinoma. Identifiers: Orphanet 422526, MedGen CN074294, MONDO:0007763, OMIM 144700.
FLCN-related disorder. Also called: FLCN-related condition.
Birt-Hogg-Dube syndrome. Also called: Birt Hogg Dubé syndrome. Identifiers: Orphanet 122, MedGen C0346010, MONDO:0800444.

Allele frequency attached by ClinVar (database versions not stated): 1000 Genomes Project 30x 0.41568; TOPMed 0.42716; 1000 Genomes Project 0.42831; gnomAD 0.44880 and 0.45113; gnomAD exomes 0.58696.

Submissions (8):

Department of Pathology and Laboratory Medicine, Sinai Health System
Classification: Uncertain significance for Birt-Hogg-Dube syndrome 1; Colorectal cancer; Familial spontaneous pneumothorax; Nonpapillary renal cell carcinoma. Last evaluated: 2021-05-28. Review status: criteria provided, single submitter. Criteria: ACMG Guidelines, 2015. Collection method: clinical testing. Allele origin: germline. Affected: no.

GeneDx
Classification: Benign. Last evaluated: 2018-06-22. Review status: criteria provided, single submitter. Criteria: GeneDx Variant Classification Process June 2021. Collection method: clinical testing. Allele origin: germline. Affected: yes.

Illumina Laboratory Services, Illumina
Classification: Benign for Familial spontaneous pneumothorax. Last evaluated: 2018-01-13. Review status: criteria provided, single submitter. Criteria: ICSL Variant Classification Criteria 13 December 2019. Collection method: clinical testing. Allele origin: germline.
Comment: This variant was observed in the ICSL laboratory as part of a predisposition screen in an ostensibly healthy population. It had not been previously curated by ICSL or reported in the Human Gene Mutation Database (HGMD: prior to June 1st, 2018), and was therefore a candidate for classification through an automated scoring system. Utilizing variant allele frequency, disease prevalence and penetrance estimates, and inheritance mode, an automated score was calculated to assess if this variant is too frequent to cause the disease. Based on the score and internal cut-off values, a variant classified as benign is not then subjected to further curation. The score for this variant resulted in a classification of benign for this disease.

Illumina Laboratory Services, Illumina
Classification: Benign for Birt-Hogg-Dube syndrome 1. Last evaluated: 2018-01-13. Review status: criteria provided, single submitter. Criteria: ICSL Variant Classification Criteria 13 December 2019. Collection method: clinical testing. Allele origin: germline.
Comment: the same text as in the submission from Illumina Laboratory Services, Illumina above.

Breakthrough Genomics
Classification: Benign. Review status: criteria provided, single submitter. Criteria: ACMG Guidelines, 2015. Collection method: not provided. Allele origin: germline. Inheritance: Autosomal dominant inheritance. Affected: yes.

PreventionGenetics, part of Exact Sciences
Classification: Benign for FLCN-related condition. Last evaluated: 2024-03-13. Review status: no assertion criteria provided. Collection method: clinical testing. Allele origin: germline. Not counted in ClinVar's aggregate classification.
Comment: This variant is classified as benign based on ACMG/AMP sequence variant interpretation guidelines (Richards et al. 2015 PMID: 25741868, with internal and published modifications).

Dr. Peter K. Rogan Lab, Western University
No classification provided (evidence only). Condition: Sarcoma. Review status: no classification provided. Collection method: in vitro. Allele origin: not applicable. Functional consequence: retained intron. Not counted in ClinVar's aggregate classification.

Dr. Peter K. Rogan Lab, Western University
No classification provided (evidence only). Condition: Gastric cancer. Review status: no classification provided. Collection method: in vitro. Allele origin: not applicable. Functional consequence: retained intron. Not counted in ClinVar's aggregate classification.

NM_144997.7(FLCN):c.-299C>T

Gene: FLCN (folliculin; minus strand). Cytogenetic location: 17p11.2.
Variant type: single nucleotide variant.
Coding change: c.-299C>T on transcript NM_144997.7 (MANE Select); 299 bases upstream of the start codon, C replaced by T.
Molecular consequence: 5 prime UTR variant.
Genome position (GRCh38, 1-based): chr17:17,236,983, G>A on the plus strand (C>T on the coding strand, the complement: FLCN is on the minus strand). VCF-style: chr17-17236983-G-A. GRCh37 (hg19) VCF-style: chr17-17140297-G-A.
Other names: NC_000017.10:g.17140297G>A; c.-507C>T (NM_001353229.2); c.-582C>T (NM_001353230.2); c.-498C>T (NM_001353231.2); c.-299C>T (NM_144606.7, LRG_325t1).
Identifiers: ClinVar variation 322082 (VCV000322082.10), dbSNP rs1708629, ClinGen allele CA10648714.